The following is an entry in ClinVar:

NM_001129.5(AEBP1):c.2183C>T (p.Pro728Leu)

Gene: AEBP1 (AE binding protein 1; plus strand). Cytogenetic location: 7p13.
Variant type: single nucleotide variant.
Coding change: c.2183C>T on transcript NM_001129.5 (MANE Select); coding-DNA position 2183, C replaced by T.
Protein change: p.Pro728Leu; replaces proline 728 with leucine.
Molecular consequence: missense variant.
Genome position (GRCh38, 1-based): chr7:44,112,287, C>T. VCF-style: chr7-44112287-C-T. GRCh37 (hg19) VCF-style: chr7-44151886-C-T.
Other names: short protein forms P728L.
Identifiers: ClinVar variation 1524033 (VCV001524033.9), dbSNP rs562206142, ClinGen allele CA4238132.

ClinVar aggregate classification (germline): Uncertain significance. Review status: criteria provided, multiple submitters, no conflicts (2 of 4 stars). 3 submissions from 3 submitters: Uncertain significance (3). Last evaluated 2024-01-03.

Conditions:
Ehlers-Danlos syndrome, classic-like, 2. Identifiers: Orphanet 536532, MedGen C4693870, MONDO:0054813, OMIM 618000.

Allele frequency attached by ClinVar (database versions not stated): gnomAD exomes 0.00011 and 0.00020; ExAC 0.00016; 1000 Genomes Project 30x 0.00031; 1000 Genomes Project 0.00040.

Submissions (3):

Fulgent Genetics
Classification: Uncertain significance for Ehlers-Danlos syndrome, classic-like, 2. Last evaluated: 2024-01-03. Review status: criteria provided, single submitter. Criteria: ACMG Guidelines, 2015. Collection method: clinical testing. Allele origin: germline.

Labcorp Genetics (formerly Invitae), Labcorp
Classification: Uncertain significance. Last evaluated: 2022-09-14. Review status: criteria provided, single submitter. Criteria: Invitae Variant Classification Sherloc (09022015). Collection method: clinical testing. Allele origin: germline.
Comment: This sequence change replaces proline, which is neutral and non-polar, with leucine, which is neutral and non-polar, at codon 728 of the AEBP1 protein (p.Pro728Leu). This variant is present in population databases (rs562206142, gnomAD 0.1%). This variant has not been reported in the literature in individuals affected with AEBP1-related conditions. ClinVar contains an entry for this variant (Variation ID: 1524033). Algorithms developed to predict the effect of missense changes on protein structure and function are either unavailable or do not agree on the potential impact of this missense change (SIFT: "Deleterious"; PolyPhen-2: "Probably Damaging"; Align-GVGD: "Class C15"). In summary, the available evidence is currently insufficient to determine the role of this variant in disease. Therefore, it has been classified as a Variant of Uncertain Significance.

Revvity Omics, Revvity
Classification: Uncertain significance for Ehlers-Danlos syndrome, classic-like, 2. Last evaluated: 2022-03-29. Review status: criteria provided, single submitter. Criteria: ACMG Guidelines, 2015. Collection method: clinical testing. Allele origin: germline.